The following is an entry in ClinVar:

ClinVar aggregate classification (germline): Conflicting classifications of pathogenicity. Review status: criteria provided, conflicting classifications (1 of 4 stars). 6 submissions from 6 submitters: Uncertain significance (1); Benign (2); Likely benign (3). Last evaluated 2026-01-05.

Conditions:
CFH-Related Dense Deposit Disease / Membranoproliferative Glomerulonephritis Type II. Identifiers: MedGen CN071292.
CFHR5 deficiency. Identifiers: MedGen C3553720.

Allele frequency attached by ClinVar (database versions not stated): gnomAD 0.00019 and 0.00023; gnomAD exomes 0.00032 and 0.00067; TOPMed 0.00032; ExAC 0.00064; 1000 Genomes Project 30x 0.00109; 1000 Genomes Project 0.00120.
gnomAD v4.1: 503 of 1,613,256 alleles (0.031%); highest among the groups gnomAD compares: East Asian, 0.88%; 5 homozygotes.

Submissions (6):

Labcorp Genetics (formerly Invitae), Labcorp
Classification: Benign. Last evaluated: 2026-01-05. Review status: criteria provided, single submitter. Criteria: Invitae Variant Classification Sherloc (09022015). Collection method: clinical testing. Allele origin: germline.

Blueprint Genetics
Classification: Likely benign. Last evaluated: 2024-09-11. Review status: criteria provided, single submitter. Criteria: ACMG Guidelines, 2015. Collection method: clinical testing. Allele origin: germline.

Genome-Nilou Lab
Classification: Likely benign for C3 glomerulonephritis. Last evaluated: 2023-04-11. Review status: criteria provided, single submitter. Criteria: ACMG Guidelines, 2015. Collection method: clinical testing. Allele origin: germline. Affected: no.

Mayo Clinic Laboratories, Mayo Clinic
Classification: Uncertain significance. Last evaluated: 2022-08-09. Review status: criteria provided, single submitter. Criteria: ACMG Guidelines, 2015. Collection method: clinical testing. Allele origin: germline. Observed: 1 variant allele.
Comment: PS3_supporting

Fulgent Genetics
Classification: Likely benign for C3 glomerulonephritis. Last evaluated: 2021-09-13. Review status: criteria provided, single submitter. Criteria: ACMG Guidelines, 2015. Collection method: clinical testing. Allele origin: unknown.

Illumina Laboratory Services, Illumina
Classification: Benign for Membranoproliferative glomerulonephritis with complement factor h deficiency. Last evaluated: 2017-04-27. Review status: criteria provided, single submitter. Criteria: ICSL Variant Classification Criteria 13 December 2019. Collection method: clinical testing. Allele origin: germline.
Comment: This variant was observed as part of a predisposition screen in an ostensibly healthy population. A literature search was performed for the gene, cDNA change, and amino acid change (where applicable). No publications were found based on this search. Allele frequency data from public databases was too high to be consistent with this variant causing disease. Therefore, this variant is classified as benign.

Literature cited by the submitters: PubMed 26825529 (cited by Mayo Clinic Laboratories, Mayo Clinic); PubMed 27064621 (cited by Mayo Clinic Laboratories, Mayo Clinic); PubMed 31848144 (cited by Mayo Clinic Laboratories, Mayo Clinic); PubMed 33213850 (cited by Mayo Clinic Laboratories, Mayo Clinic); PubMed 33367879 (cited by Mayo Clinic Laboratories, Mayo Clinic); PubMed 34238373 (cited by Mayo Clinic Laboratories, Mayo Clinic).

NM_030787.4(CFHR5):c.508G>A (p.Val170Met)

Gene: CFHR5 (complement factor H related 5; plus strand). Cytogenetic location: 1q31.3.
Variant type: single nucleotide variant.
Coding change: c.508G>A on transcript NM_030787.4 (MANE Select); coding-DNA position 508, G replaced by A.
Protein change: p.Val170Met; replaces valine 170 with methionine.
Molecular consequence: missense variant.
Genome position (GRCh38, 1-based): chr1:196,994,157, G>A. VCF-style: chr1-196994157-G-A. GRCh37 (hg19) VCF-style: chr1-196963287-G-A.
Other names: p.Val170Met; short protein forms V170M.
Identifiers: ClinVar variation 876519 (VCV000876519.15), dbSNP rs201073457, ClinGen allele CA1307767.